The following is an entry in ClinVar:

ClinVar aggregate classification (germline): Uncertain significance (1 of 4 stars; one submission).

Submission:

GeneDx
Classification: Uncertain significance. Last evaluated: 2024-11-06. Review status: criteria provided, single submitter. Criteria: GeneDx Variant Classification Process June 2021. Collection method: clinical testing. Allele origin: germline. Affected: yes.
Comment: Not observed at significant frequency in large population cohorts (gnomAD); Missense variant in a gene in which most reported pathogenic variants are truncating/loss of function; Has not been previously published as pathogenic or benign to our knowledge; This variant is associated with the following publications: (PMID: 23975875)

NM_001267550.2(TTN):c.10789G>A (p.Glu3597Lys)

Gene: TTN (titin; minus strand). Cytogenetic location: 2q31.2.
Variant type: single nucleotide variant.
Coding change: c.10789G>A on transcript NM_001267550.2 (MANE Select); coding-DNA position 10789, G replaced by A.
Protein change: p.Glu3597Lys; replaces glutamic acid 3597 with lysine.
Molecular consequence: missense variant. On other transcripts: intron variant (5).
Genome position (GRCh38, 1-based): chr2:178,756,687, C>T on the plus strand (G>A on the coding strand, the complement: TTN is on the minus strand). VCF-style: chr2-178756687-C-T. GRCh37 (hg19) VCF-style: chr2-179621414-C-T.
Other names: c.10276G>A, p.Glu3426Lys (NM_133437.4); c.10165+2297G>A (NM_003319.4); c.10540+855G>A (NM_133432.3); c.10303+2297G>A (NM_133378.4, NM_001256850.1, NM_133379.5); short protein forms E3426K, E3597K.
Identifiers: ClinVar variation 3899025 (VCV003899025.1).